The following is an entry in ClinVar:

ClinVar aggregate classification (germline): Uncertain significance (1 of 4 stars; one submission).

Conditions:
Nemaline myopathy 6 (NEM6). Also called: Nemaline myopathy 6, autosomal dominant. Identifiers: Orphanet 171439, MedGen C1836472, MONDO:0012237, OMIM 609273.

Submission:

Labcorp Genetics (formerly Invitae), Labcorp
Classification: Uncertain significance for Nemaline myopathy 6. Last evaluated: 2022-10-30. Review status: criteria provided, single submitter. Criteria: Invitae Variant Classification Sherloc (09022015). Collection method: clinical testing. Allele origin: unknown.
Comment: In summary, the available evidence is currently insufficient to determine the role of this variant in disease. Therefore, it has been classified as a Variant of Uncertain Significance. This variant has not been reported in the literature in individuals affected with KBTBD13-related conditions. A copy number gain of the genomic region encompassing the full coding sequence of the KBTBD13 gene has been identified. The boundaries of this event are unknown as they extend beyond the assayed region for this gene and therefore may encompass additional genes. As the precise location of this event is unknown, it may be in tandem or it may be located elsewhere in the genome.

NC_000015.9:g.(?_65369154)_(65370530_?)dup

Gene: KBTBD13 (kelch repeat and BTB domain containing 13; plus strand). Cytogenetic location: 15q22.31.
Variant type: Duplication.
Identifiers: ClinVar variation 3243775 (VCV003243775.1).